The following is an entry in ClinVar:

ClinVar aggregate classification (germline): Uncertain significance. Review status: criteria provided, multiple submitters, no conflicts (2 of 4 stars). 2 submissions from 2 submitters: Uncertain significance (2). Last evaluated 2022-03-19.

Conditions:
Cardiovascular phenotype. Identifiers: MedGen CN230736.
Arrhythmogenic right ventricular dysplasia 12. Also called: ARRHYTHMOGENIC RIGHT VENTRICULAR DYSPLASIA, FAMILIAL, 12. Identifiers: MedGen C1969081, MONDO:0012684, OMIM 611528.
Naxos disease (NXD). Also called: CARDIOMYOPATHY, ARRHYTHMOGENIC RIGHT VENTRICULAR, WITH SKIN, HAIR, AND NAIL ABNORMALITIES; KERATOSIS PALMOPLANTARIS WITH ARRHYTHMOGENIC CARDIOMYOPATHY; MAL DE NAXOS; PALMOPLANTAR KERATODERMA WITH ARRHYTHMOGENIC RIGHT VENTRICULAR CARDIOMYOPATHY AND WOOLLY HAIR; WOOLLY HAIR, PALMOPLANTAR KERATODERMA, AND CARDIAC ABNORMALITIES. Identifiers: Orphanet 34217, MedGen C1832600, MONDO:0011017, OMIM 601214.

Allele frequency attached by ClinVar (database versions not stated): ExAC 0.00001; gnomAD 0.00001.

Submissions (2):

Ambry Genetics
Classification: Uncertain significance for Cardiovascular phenotype. Last evaluated: 2022-03-19. Review status: criteria provided, single submitter. Criteria: Ambry Variant Classification Scheme 2023. Collection method: clinical testing. Allele origin: germline.
Comment: The p.P587L variant (also known as c.1760C>T), located in coding exon 9 of the JUP gene, results from a C to T substitution at nucleotide position 1760. The proline at codon 587 is replaced by leucine, an amino acid with similar properties. This amino acid position is conserved. In addition, the in silico prediction for this alteration is inconclusive. Since supporting evidence is limited at this time, the clinical significance of this alteration remains unclear.

Labcorp Genetics (formerly Invitae), Labcorp
Classification: Uncertain significance for Arrhythmogenic right ventricular dysplasia 12; Naxos disease. Last evaluated: 2021-08-23. Review status: criteria provided, single submitter. Criteria: Invitae Variant Classification Sherloc (09022015). Collection method: clinical testing. Allele origin: germline.
Comment: This sequence change replaces proline with leucine at codon 587 of the JUP protein (p.Pro587Leu). The proline residue is highly conserved and there is a moderate physicochemical difference between proline and leucine. This variant is present in population databases (rs782490959, ExAC 0.002%). This variant has not been reported in the literature in individuals affected with JUP-related conditions. Algorithms developed to predict the effect of missense changes on protein structure and function are either unavailable or do not agree on the potential impact of this missense change (SIFT: "Tolerated"; PolyPhen-2: "Possibly Damaging"; Align-GVGD: "Class C0"). In summary, the available evidence is currently insufficient to determine the role of this variant in disease. Therefore, it has been classified as a Variant of Uncertain Significance.

NM_002230.4(JUP):c.1760C>T (p.Pro587Leu)

Gene: JUP (junction plakoglobin; minus strand). Cytogenetic location: 17q21.2.
Variant type: single nucleotide variant.
Coding change: c.1760C>T on transcript NM_002230.4 (MANE Select); coding-DNA position 1760, C replaced by T.
Protein change: p.Pro587Leu; replaces proline 587 with leucine.
Molecular consequence: missense variant.
Genome position (GRCh38, 1-based): chr17:41,758,412, G>A on the plus strand (C>T on the coding strand, the complement: JUP is on the minus strand). VCF-style: chr17-41758412-G-A. GRCh37 (hg19) VCF-style: chr17-39914664-G-A.
Other names: c.1760C>T, p.Pro587Leu (NM_001352773.2, NM_001352774.2, NM_001352775.2 and 3 more transcripts); short protein forms P587L.
Identifiers: ClinVar variation 1392740 (VCV001392740.8), dbSNP rs782490959, ClinGen allele CA8565140.